The following is an entry in ClinVar:

ClinVar aggregate classification (germline): Pathogenic (1 of 4 stars; one submission).

Submission:

Labcorp Genetics (formerly Invitae), Labcorp
Classification: Pathogenic. Last evaluated: 2024-01-31. Review status: criteria provided, single submitter. Criteria: Invitae Variant Classification Sherloc (09022015). Collection method: clinical testing. Allele origin: germline.
Comment: This sequence change creates a premature translational stop signal (p.Cys1538Leufs*11) in the MYO7A gene. It is expected to result in an absent or disrupted protein product. Loss-of-function variants in MYO7A are known to be pathogenic (PMID: 8900236, 25404053). This variant is not present in population databases (gnomAD no frequency). This variant has not been reported in the literature in individuals affected with MYO7A-related conditions. ClinVar contains an entry for this variant (Variation ID: 846729). For these reasons, this variant has been classified as Pathogenic.

Literature cited by the submitters: PubMed 8900236; PubMed 25404053.

NM_000260.4(MYO7A):c.4613del (p.Cys1538fs)

Gene: MYO7A (myosin VIIA; plus strand). Cytogenetic location: 11q13.5.
Variant type: Deletion.
Coding change: c.4613del on transcript NM_000260.4 (MANE Select); coding-DNA position 4613, one base deleted (G; older notation c.4613delG).
Protein change: p.Cys1538fs; shifts the reading frame from cysteine 1538.
Molecular consequence: frameshift variant. On other transcripts: intron variant (2).
Genome position (GRCh38, 1-based): chr11:77,199,579, G deleted. VCF-style (leftmost placement, unchanged base first): chr11-77199578-TG-T. GRCh37 (hg19) VCF-style: chr11-76910623-TG-T.
Other names: c.4536-70del (NM_001369365.1); c.4569-70del (NM_001127180.2); short protein forms C1538fs.
Identifiers: ClinVar variation 846729 (VCV000846729.7), dbSNP rs1956916004, ClinGen allele CA916083262.